The following is an entry in ClinVar:

NM_015488.5(PNKD):c.*38G>A

Genes: CATIP-AS2 (CATIP antisense RNA 2; minus strand), PNKD (PNKD metallo-beta-lactamase domain containing; plus strand). Cytogenetic location: 2q35.
Variant type: single nucleotide variant.
Coding change: c.*38G>A on transcript NM_015488.5 (MANE Select); 38 bases downstream of the stop codon, G replaced by A.
Molecular consequence: 3 prime UTR variant.
Genome position (GRCh38, 1-based): chr2:218,345,019, G>A. VCF-style: chr2-218345019-G-A. GRCh37 (hg19) VCF-style: chr2-219209742-G-A.
Other names: c.*38G>A (NM_022572.5).
Identifiers: ClinVar variation 334331 (VCV000334331.5), dbSNP rs201679687, ClinGen allele CA2104231.

ClinVar aggregate classification (germline): Benign (1 of 4 stars; one submission).

Conditions:
Paroxysmal nonkinesigenic dyskinesia 1 (PNKD1). Also called: Nonkinesigenic choreoathetosis; Familial paroxysmal choreoathetosis; DYSTONIA 8; Familial Paroxysmal Nonkinesigenic Dyskinesia; MOUNT-REBACK SYNDROME; PxMD-PNKD. Identifiers: Orphanet 98810, MedGen C4551506, MONDO:0700089, OMIM 118800, MONDO:0007326.

Allele frequency attached by ClinVar (database versions not stated): gnomAD exomes 0.00019 and 0.00004; 1000 Genomes Project 0.00020; ExAC 0.00024; ESP Exome Variant Server 0.00039; gnomAD 0.00073 and 0.00078; TOPMed 0.00076; 1000 Genomes Project 30x 0.00016.
gnomAD v4.1: 165 of 1,538,500 alleles (0.011%); highest among the groups gnomAD compares: African/African-American, 0.2%; no homozygotes.

Submission:

Illumina Laboratory Services, Illumina
Classification: Benign for Paroxysmal nonkinesigenic dyskinesia 1. Last evaluated: 2018-01-12. Review status: criteria provided, single submitter. Criteria: ICSL Variant Classification Criteria 13 December 2019. Collection method: clinical testing. Allele origin: germline.
Comment: This variant was observed in the ICSL laboratory as part of a predisposition screen in an ostensibly healthy population. It had not been previously curated by ICSL or reported in the Human Gene Mutation Database (HGMD: prior to June 1st, 2018), and was therefore a candidate for classification through an automated scoring system. Utilizing variant allele frequency, disease prevalence and penetrance estimates, and inheritance mode, an automated score was calculated to assess if this variant is too frequent to cause the disease. Based on the score and internal cut-off values, a variant classified as benign is not then subjected to further curation. The score for this variant resulted in a classification of benign for this disease.